The following is an entry in ClinVar:

NM_001042545.2(LTBP4):c.1729C>A (p.Arg577Ser)

Gene: LTBP4 (latent transforming growth factor beta binding protein 4; plus strand). Cytogenetic location: 19q13.2.
Variant type: single nucleotide variant.
Coding change: c.1729C>A on transcript NM_001042545.2 (MANE Select); coding-DNA position 1729, C replaced by A.
Protein change: p.Arg577Ser; replaces arginine 577 with serine.
Molecular consequence: missense variant.
Genome position (GRCh38, 1-based): chr19:40,610,576, C>A. VCF-style: chr19-40610576-C-A. GRCh37 (hg19) VCF-style: chr19-41116482-C-A.
Other names: c.1930C>A, p.Arg644Ser (NM_001042544.1); c.1819C>A, p.Arg607Ser (NM_003573.2); short protein forms R577S, R644S, R607S.
Identifiers: ClinVar variation 2110040 (VCV002110040.4), dbSNP rs1355671197, ClinGen allele CA405937112.
Genomic context (GRCh38, chr19:40,610,576, plus strand): 5'-TGGTCTGTGCCTACAGATGTGGACGAGTGCCACCGCGTGCCGCCGCCGTGTGACCTCGGG[C>A]GCTGCGAGAACACGCCAGGCAGCTTCCTGTGCGTGTGCCCCGCCGGGTACCAGGCTGCAC-3'
Protein context (NP_001036010.1, residues 567-587): HRVPPPCDLG[Arg577Ser]CENTPGSFLC

ClinVar aggregate classification (germline): Uncertain significance (1 of 4 stars; one submission).

Allele frequency attached by ClinVar (database versions not stated): gnomAD exomes below 0.00001.
gnomAD v4.1: 1 of 1,593,144 alleles (0.000063%); highest among the groups gnomAD compares: Non-Finnish European, 0.000085%; no homozygotes.

Submission:

Labcorp Genetics (formerly Invitae), Labcorp
Classification: Uncertain significance. Last evaluated: 2022-03-12. Review status: criteria provided, single submitter. Criteria: Invitae Variant Classification Sherloc (09022015). Collection method: clinical testing. Allele origin: germline.
Comment: This variant is not present in population databases (gnomAD no frequency). In summary, the available evidence is currently insufficient to determine the role of this variant in disease. Therefore, it has been classified as a Variant of Uncertain Significance. Experimental studies and prediction algorithms are not available or were not evaluated, and the functional significance of this variant is currently unknown. This variant has not been reported in the literature in individuals affected with LTBP4-related conditions. This sequence change replaces arginine, which is basic and polar, with serine, which is neutral and polar, at codon 607 of the LTBP4 protein (p.Arg607Ser).